The following is an entry in ClinVar:

NM_018344.6(SLC29A3):c.*124C>T

Gene: SLC29A3 (solute carrier family 29 member 3; plus strand). Cytogenetic location: 10q22.1.
Variant type: single nucleotide variant.
Coding change: c.*124C>T on transcript NM_018344.6 (MANE Select); 124 bases downstream of the stop codon, C replaced by T.
Molecular consequence: 3 prime UTR variant. On other transcripts: non-coding transcript variant (2).
Genome position (GRCh38, 1-based): chr10:71,362,732, C>T. VCF-style: chr10-71362732-C-T. GRCh37 (hg19) VCF-style: chr10-73122489-C-T.
Other names: c.*781C>T (NM_001174098.2); c.*124C>T (NM_001363518.2).
Identifiers: ClinVar variation 300374 (VCV000300374.6), dbSNP rs117406077, ClinGen allele CA5543222.

ClinVar aggregate classification (germline): Benign. Review status: criteria provided, multiple submitters, no conflicts (2 of 4 stars). 2 submissions from 2 submitters: Benign (2). Last evaluated 2018-01-12.

Conditions:
H syndrome. Also called: Histiocytosis with joint contractures and sensorineural deafness; HISTIOCYTOSIS AND LYMPHADENOPATHY WITH OR WITHOUT CUTANEOUS, CARDIAC, AND/OR ENDOCRINE FEATURES, JOINT CONTRACTURES, AND/OR DEAFNESS; HYPERPIGMENTATION, CUTANEOUS, WITH HYPERTRICHOSIS, HEPATOSPLENOMEGALY, HEART ANOMALIES, AND HYPOGONADISM WITH OR WITHOUT HEARING LOSS; PIGMENTED HYPERTRICHOSIS WITH INSULIN-DEPENDENT DIABETES MELLITUS; ROSAI-DORFMAN DISEASE, FAMILIAL; SINUS HISTIOCYTOSIS AND MASSIVE LYMPHADENOPATHY. Identifiers: Orphanet 168569, MedGen C1864445, MONDO:0011273, OMIM 602782.

Allele frequency attached by ClinVar (database versions not stated): gnomAD 0.00613 and 0.00675; TOPMed 0.00680; 1000 Genomes Project 0.01298; gnomAD exomes 0.00828; 1000 Genomes Project 30x 0.01171; ExAC 0.01516.
gnomAD v4.1: 10,095 of 1,304,034 alleles (0.77%); highest among the groups gnomAD compares: South Asian, 1.9%; 79 homozygotes.

Submissions (2):

Illumina Laboratory Services, Illumina
Classification: Benign for H syndrome. Last evaluated: 2018-01-12. Review status: criteria provided, single submitter. Criteria: ICSL Variant Classification Criteria 13 December 2019. Collection method: clinical testing. Allele origin: germline.
Comment: This variant was observed in the ICSL laboratory as part of a predisposition screen in an ostensibly healthy population. It had not been previously curated by ICSL or reported in the Human Gene Mutation Database (HGMD: prior to June 1st, 2018), and was therefore a candidate for classification through an automated scoring system. Utilizing variant allele frequency, disease prevalence and penetrance estimates, and inheritance mode, an automated score was calculated to assess if this variant is too frequent to cause the disease. Based on the score and internal cut-off values, a variant classified as benign is not then subjected to further curation. The score for this variant resulted in a classification of benign for this disease.

Breakthrough Genomics
Classification: Benign. Review status: criteria provided, single submitter. Criteria: ACMG Guidelines, 2015. Collection method: not provided. Allele origin: germline. Inheritance: Autosomal recessive inheritance. Affected: yes.